The following is an entry in ClinVar:

NM_031475.3(ESPN):c.1671C>T (p.Gly557=)

Gene: ESPN (espin; plus strand). Cytogenetic location: 1p36.31.
Variant type: single nucleotide variant.
Coding change: c.1671C>T on transcript NM_031475.3 (MANE Select); coding-DNA position 1671, C replaced by T.
Protein change: p.Gly557=; no amino-acid change (glycine 557 retained).
Molecular consequence: synonymous variant. On other transcripts: intron variant (2).
Genome position (GRCh38, 1-based): chr1:6,448,847, C>T. VCF-style: chr1-6448847-C-T. GRCh37 (hg19) VCF-style: chr1-6508907-C-T.
Other names: c.1626+45C>T (NM_001367474.1, NM_001367473.1).
Identifiers: ClinVar variation 680326 (VCV000680326.9), dbSNP rs1569711355, ClinGen allele CA416021334.

ClinVar aggregate classification (germline): Likely benign. Review status: criteria provided, multiple submitters, no conflicts (2 of 4 stars). 3 submissions from 3 submitters: Likely benign (3). Last evaluated 2023-11-28.

Allele frequency attached by ClinVar (database versions not stated): gnomAD 0.00001; TOPMed 0.00001.

Submissions (3):

Labcorp Genetics (formerly Invitae), Labcorp
Classification: Likely benign. Last evaluated: 2023-11-28. Review status: criteria provided, single submitter. Criteria: Invitae Variant Classification Sherloc (09022015). Collection method: clinical testing. Allele origin: germline.

Blueprint Genetics
Classification: Likely benign. Last evaluated: 2020-10-22. Review status: criteria provided, single submitter. Criteria: ACMG Guidelines, 2015. Collection method: clinical testing. Allele origin: germline.

GeneDx
Classification: Likely benign. Last evaluated: 2018-03-19. Review status: criteria provided, single submitter. Criteria: GeneDx Variant Classification (06012015). Collection method: clinical testing. Allele origin: germline. Affected: yes.
Comment: This variant is considered likely benign or benign based on one or more of the following criteria: it is a conservative change, it occurs at a poorly conserved position in the protein, it is predicted to be benign by multiple in silico algorithms, and/or has population frequency not consistent with disease.